The following is an entry in ClinVar:

NM_000455.5(STK11):c.1204A>G (p.Thr402Ala)

Gene: STK11 (serine/threonine kinase 11; plus strand). Cytogenetic location: 19p13.3.
Variant type: single nucleotide variant.
Coding change: c.1204A>G on transcript NM_000455.5 (MANE Select); coding-DNA position 1204, A replaced by G.
Protein change: p.Thr402Ala; replaces threonine 402 with alanine.
Molecular consequence: missense variant.
Genome position (GRCh38, 1-based): chr19:1,226,549, A>G. VCF-style: chr19-1226549-A-G. GRCh37 (hg19) VCF-style: chr19-1226548-A-G.
Other names: short protein forms T402A.
Identifiers: ClinVar variation 2121742 (VCV002121742.4), dbSNP rs2145436211, ClinGen allele CA402953703.

ClinVar aggregate classification (germline): Uncertain significance (1 of 4 stars; one submission).

Conditions:
Peutz-Jeghers syndrome (PJS). Also called: POLYPOSIS, HAMARTOMATOUS INTESTINAL; POLYPS-AND-SPOTS SYNDROME; Peutz-Jeghers polyposis; Periorificial lentiginosis syndrome. Identifiers: Orphanet 2869, MedGen C0031269, MeSH D010580, MONDO:0008280, OMIM 175200.

gnomAD v4.1: 1 of 1,603,260 alleles (0.000062%); highest among the groups gnomAD compares: Non-Finnish European, 0.000085%; no homozygotes.

Submission:

Labcorp Genetics (formerly Invitae), Labcorp
Classification: Uncertain significance for Peutz-Jeghers syndrome. Last evaluated: 2022-04-05. Review status: criteria provided, single submitter. Criteria: Invitae Variant Classification Sherloc (09022015). Collection method: clinical testing. Allele origin: germline.
Comment: This variant has not been reported in the literature in individuals affected with STK11-related conditions. In summary, the available evidence is currently insufficient to determine the role of this variant in disease. Therefore, it has been classified as a Variant of Uncertain Significance. Advanced modeling of protein sequence and biophysical properties (such as structural, functional, and spatial information, amino acid conservation, physicochemical variation, residue mobility, and thermodynamic stability) performed at Invitae indicates that this missense variant is not expected to disrupt STK11 protein function. This variant is not present in population databases (gnomAD no frequency). This sequence change replaces threonine, which is neutral and polar, with alanine, which is neutral and non-polar, at codon 402 of the STK11 protein (p.Thr402Ala).